The following is an entry in ClinVar:

ClinVar aggregate classification (germline): Uncertain significance (1 of 4 stars; one submission).

Conditions:
Inborn genetic diseases. Identifiers: MedGen C0950123, MeSH D030342.

Submission:

Ambry Genetics
Classification: Uncertain significance for Inborn genetic diseases. Last evaluated: 2026-05-23. Review status: criteria provided, single submitter. Criteria: Ambry Variant Classification Scheme 2023. Collection method: clinical testing. Allele origin: germline.
Comment: The p.G78E variant (also known as c.233G>A), located in coding exon 2 of the RTEL1 gene, results from a G to A substitution at nucleotide position 233. The glycine at codon 78 is replaced by glutamic acid, an amino acid with similar properties. This amino acid position is conserved. In addition, the in silico prediction for this alteration is inconclusive. Based on the available evidence, the clinical significance of this variant remains unclear.

NM_001283009.2(RTEL1):c.233G>A (p.Gly78Glu)

Genes: RTEL1 (regulator of telomere elongation helicase 1; plus strand), RTEL1-TNFRSF6B (RTEL1-TNFRSF6B readthrough (NMD candidate); plus strand). Cytogenetic location: 20q13.33.
Variant type: single nucleotide variant.
Coding change: c.233G>A on transcript NM_001283009.2 (MANE Select); coding-DNA position 233, G replaced by A.
Protein change: p.Gly78Glu; replaces glycine 78 with glutamic acid.
Molecular consequence: missense variant. On other transcripts: non-coding transcript variant (1), 5 prime UTR variant (1).
Genome position (GRCh38, 1-based): chr20:63,661,428, G>A. VCF-style: chr20-63661428-G-A. GRCh37 (hg19) VCF-style: chr20-62292781-G-A.
Other names: c.-437G>A (NM_001283010.1); c.233G>A, p.Gly78Glu (NM_016434.4, NM_032957.5); short protein forms G78E.
Identifiers: ClinVar variation 4863597 (VCV004863597.1).